The following is an entry in ClinVar:

ClinVar aggregate classification (germline): Benign/Likely benign. Review status: criteria provided, multiple submitters, no conflicts (2 of 4 stars). 5 submissions from 5 submitters: Benign (2); Likely benign (3). Last evaluated 2026-02-03.

Conditions:
Developmental and epileptic encephalopathy, 50 (DEE50). Also called: Epileptic encephalopathy, early infantile, 50. Identifiers: Orphanet 448010, MedGen C4225320, MONDO:0014647, OMIM 616457.

Allele frequency attached by ClinVar (database versions not stated): gnomAD exomes 0.00055 and 0.00141; ExAC 0.00150; ESP Exome Variant Server 0.00477; 1000 Genomes Project 0.00479; gnomAD 0.00514 and 0.00560; 1000 Genomes Project 30x 0.00515; TOPMed 0.00568.
gnomAD v4.1: 1,606 of 1,614,184 alleles (0.099%); highest among the groups gnomAD compares: African/African-American, 1.9%; 8 homozygotes.

Submissions (5):

Labcorp Genetics (formerly Invitae), Labcorp
Classification: Benign. Last evaluated: 2026-02-03. Review status: criteria provided, single submitter. Criteria: Invitae Variant Classification Sherloc (09022015). Collection method: clinical testing. Allele origin: germline.

ARUP Laboratories, Molecular Genetics and Genomics, ARUP Laboratories
Classification: Likely benign for Developmental and epileptic encephalopathy, 50. Last evaluated: 2025-03-06. Review status: criteria provided, single submitter. Criteria: ARUP Molecular Germline Variant Investigation Process 2024. Collection method: clinical testing. Allele origin: germline.

Mayo Clinic Laboratories, Mayo Clinic
Classification: Likely benign. Last evaluated: 2024-12-30. Review status: criteria provided, single submitter. Criteria: ACMG Guidelines, 2015. Collection method: clinical testing. Allele origin: germline. Observed: 4 variant alleles.
Comment: BA1, PP3_moderate

Blueprint Genetics
Classification: Likely benign. Last evaluated: 2024-08-20. Review status: criteria provided, single submitter. Criteria: ACMG Guidelines, 2015. Collection method: clinical testing. Allele origin: germline.

Breakthrough Genomics
Classification: Benign. Review status: criteria provided, single submitter. Criteria: ACMG Guidelines, 2015. Collection method: not provided. Allele origin: germline. Inheritance: Autosomal recessive inheritance. Affected: yes.

NM_004341.5(CAD):c.2497G>A (p.Asp833Asn)

Genes: CAD (carbamoyl-phosphate synthetase 2, aspartate transcarbamylase, and dihydroorotase; plus strand), LOC126806171 (BRD4-independent group 4 enhancer GRCh37_chr2:27454350-27455549; plus strand). Cytogenetic location: 2p23.3.
Variant type: single nucleotide variant.
Coding change: c.2497G>A on transcript NM_004341.5 (MANE Select); coding-DNA position 2497, G replaced by A.
Protein change: p.Asp833Asn; replaces aspartic acid 833 with asparagine.
Molecular consequence: missense variant.
Genome position (GRCh38, 1-based): chr2:27,232,076, G>A. VCF-style: chr2-27232076-G-A. GRCh37 (hg19) VCF-style: chr2-27454944-G-A.
Other names: p.Asp833Asn; c.2308G>A, p.Asp770Asn (NM_001306079.2); short protein forms D770N, D833N.
Identifiers: ClinVar variation 767787 (VCV000767787.15), dbSNP rs115483555, ClinGen allele CA1573033.
Genomic context (GRCh38, chr2:27,232,076, plus strand): 5'-GTGGCAGCTGCTTTGTGGGCTGGTTATTCAGTGGACCGCCTGTATGAGCTCACACGCATC[G>A]ACCGCTGGTTCCTGCACCGAATGAAGCGTATCATCGCACATGCCCAGCTGCTAGAACAAC-3'
Protein context (NP_004332.2, residues 823-843): VDRLYELTRI[Asp833Asn]RWFLHRMKRI